The following is an entry in ClinVar:

NM_005560.6(LAMA5):c.6546C>T (p.Gly2182=)

Gene: LAMA5 (laminin subunit alpha 5; minus strand). Cytogenetic location: 20q13.33.
Variant type: single nucleotide variant.
Coding change: c.6546C>T on transcript NM_005560.6 (MANE Select); coding-DNA position 6546, C replaced by T.
Protein change: p.Gly2182=; no amino-acid change (glycine 2182 retained).
Molecular consequence: synonymous variant.
Genome position (GRCh38, 1-based): chr20:62,320,841, G>A on the plus strand (C>T on the coding strand, the complement: LAMA5 is on the minus strand). VCF-style: chr20-62320841-G-A. GRCh37 (hg19) VCF-style: chr20-60895897-G-A.
Other names: c.6546C>T (NM_005560.4).
Identifiers: ClinVar variation 2053000 (VCV002053000.6), dbSNP rs748553410, ClinGen allele CA9941684.

ClinVar aggregate classification (germline): Likely benign. Review status: criteria provided, single submitter (1 of 4 stars). 2 submissions from 2 submitters: Likely benign (1). 1 of the submissions does not count toward it. Last evaluated 2025-03-24.

Conditions:
LAMA5-related disorder. Also called: LAMA5-related condition; LAMA5-Related Disorders.

Allele frequency attached by ClinVar (database versions not stated): gnomAD 0.00013; ExAC 0.00014; TOPMed 0.00016.
gnomAD v4.1: 397 of 1,612,452 alleles (0.025%); highest among the groups gnomAD compares: Non-Finnish European, 0.03%; no homozygotes.

Submissions (2):

Labcorp Genetics (formerly Invitae), Labcorp
Classification: Likely benign. Last evaluated: 2025-03-24. Review status: criteria provided, single submitter. Criteria: Invitae Variant Classification Sherloc (09022015). Collection method: clinical testing. Allele origin: germline.

PreventionGenetics, part of Exact Sciences
Classification: Likely benign for LAMA5-related condition. Last evaluated: 2020-02-28. Review status: no assertion criteria provided. Collection method: clinical testing. Allele origin: germline. Not counted in ClinVar's aggregate classification.
Comment: This variant is classified as likely benign based on ACMG/AMP sequence variant interpretation guidelines (Richards et al. 2015 PMID: 25741868, with internal and published modifications).